The following is an entry in ClinVar:

ClinVar aggregate classification (germline): Uncertain significance (1 of 4 stars; one submission).

Conditions:
Oto-palato-digital syndrome, type II (OPD2). Also called: FACIOPALATOOSSEOUS SYNDROME; OPD II SYNDROME; Otopalatodigital Syndrome, Type II; Otopalatodigital Syndrome Type 2 (FLNA-OPD2). Identifiers: Orphanet 669, Orphanet 90652, MedGen C1844696, MONDO:0010571, OMIM 304120.
Heterotopia, periventricular, X-linked dominant (PVNH1). Also called: PERIVENTRICULAR NODULAR HETEROTOPIA 1; X-linked periventricular heterotopia; PERIVENTRICULAR NODULAR HETEROTOPIA 4; HETEROTOPIA, PERIVENTRICULAR, 1. Identifiers: Orphanet 2149, Orphanet 82004, MedGen C1848213, MONDO:0010233, OMIM 300049.
Frontometaphyseal dysplasia (FMD1). Identifiers: Orphanet 1826, MedGen C0265293, MONDO:0015942.
Melnick-Needles syndrome (MNS). Also called: MELNICK-NEEDLES OSTEODYSPLASTY; OSTEODYSPLASTY OF MELNICK AND NEEDLES; Melnick-Needles Syndrome (FLNA-MNS). Identifiers: Orphanet 2484, MedGen C0025237, MONDO:0010650, OMIM 309350.

Submission:

Labcorp Genetics (formerly Invitae), Labcorp
Classification: Uncertain significance for Oto-palato-digital syndrome, type II; Heterotopia, periventricular, X-linked dominant; Frontometaphyseal dysplasia; Melnick-Needles syndrome. Last evaluated: 2023-11-27. Review status: criteria provided, single submitter. Criteria: Invitae Variant Classification Sherloc (09022015). Collection method: clinical testing. Allele origin: germline.
Comment: This sequence change replaces asparagine, which is neutral and polar, with serine, which is neutral and polar, at codon 1815 of the FLNA protein (p.Asn1815Ser). This variant is not present in population databases (gnomAD no frequency). This variant has not been reported in the literature in individuals affected with FLNA-related conditions. Advanced modeling of protein sequence and biophysical properties (such as structural, functional, and spatial information, amino acid conservation, physicochemical variation, residue mobility, and thermodynamic stability) performed at Invitae indicates that this missense variant is not expected to disrupt FLNA protein function with a negative predictive value of 95%. In summary, the available evidence is currently insufficient to determine the role of this variant in disease. Therefore, it has been classified as a Variant of Uncertain Significance.

NM_001110556.2(FLNA):c.5468A>G (p.Asn1823Ser)

Gene: FLNA (filamin A; minus strand). Cytogenetic location: Xq28.
Variant type: single nucleotide variant.
Coding change: c.5468A>G on transcript NM_001110556.2 (MANE Select); coding-DNA position 5468, A replaced by G.
Protein change: p.Asn1823Ser; replaces asparagine 1823 with serine.
Molecular consequence: missense variant.
Genome position (GRCh38, 1-based): chrX:154,354,240, T>C on the plus strand (A>G on the coding strand, the complement: FLNA is on the minus strand). VCF-style: chrX-154354240-T-C. GRCh37 (hg19) VCF-style: chrX-153582608-T-C.
Other names: c.5444A>G, p.Asn1815Ser (NM_001456.4); short protein forms N1823S, N1815S.
Identifiers: ClinVar variation 2943497 (VCV002943497.3), dbSNP rs2522726500, ClinGen allele CA415204236.